The following is an entry in ClinVar:

ClinVar aggregate classification (germline): Uncertain significance (1 of 4 stars; one submission).

Conditions:
Hereditary nonpolyposis colorectal neoplasms. Identifiers: MedGen C0009405, MeSH D003123.

gnomAD v4.1: 1 of 1,614,110 alleles (0.000062%); highest among the groups gnomAD compares: South Asian, 0.0011%; no homozygotes.

Submission:

Labcorp Genetics (formerly Invitae), Labcorp
Classification: Uncertain significance for Hereditary nonpolyposis colorectal neoplasms. Last evaluated: 2025-04-08. Review status: criteria provided, single submitter. Criteria: Invitae Variant Classification Sherloc (09022015). Collection method: clinical testing. Allele origin: germline.
Comment: This sequence change replaces leucine, which is neutral and non-polar, with phenylalanine, which is neutral and non-polar, at codon 542 of the MSH6 protein (p.Leu542Phe). This variant is not present in population databases (gnomAD no frequency). This variant has not been reported in the literature in individuals affected with MSH6-related conditions. Invitae Evidence Modeling of protein sequence and biophysical properties (such as structural, functional, and spatial information, amino acid conservation, physicochemical variation, residue mobility, and thermodynamic stability) indicates that this missense variant is not expected to disrupt MSH6 protein function with a negative predictive value of 95%. In summary, the available evidence is currently insufficient to determine the role of this variant in disease. Therefore, it has been classified as a Variant of Uncertain Significance.

NM_000179.3(MSH6):c.1624C>T (p.Leu542Phe)

Gene: MSH6 (mutS homolog 6; plus strand). Cytogenetic location: 2p16.3.
Variant type: single nucleotide variant.
Coding change: c.1624C>T on transcript NM_000179.3 (MANE Select); coding-DNA position 1624, C replaced by T.
Protein change: p.Leu542Phe; replaces leucine 542 with phenylalanine.
Molecular consequence: missense variant. On other transcripts: non-coding transcript variant (4), intron variant (2).
Genome position (GRCh38, 1-based): chr2:47,799,607, C>T. VCF-style: chr2-47799607-C-T. GRCh37 (hg19) VCF-style: chr2-48026746-C-T.
Other names: c.1234C>T, p.Leu412Phe (NM_001281492.2); c.718C>T, p.Leu240Phe (NM_001281493.2, NM_001281494.2, NM_001406811.1 and 6 more transcripts); c.1720C>T, p.Leu574Phe (NM_001406795.1, NM_001406802.1); c.1624C>T, p.Leu542Phe (NM_001406796.1, NM_001406798.1, NM_001406800.1 and 3 more transcripts); c.1327C>T, p.Leu443Phe (NM_001406797.1, NM_001406801.1, NM_001406805.1 and 10 more transcripts); c.1099C>T, p.Leu367Phe (NM_001406799.1, NM_001406806.1, NM_001406807.1); c.1546C>T, p.Leu516Phe (NM_001406804.1); c.1630C>T, p.Leu544Phe (NM_001406813.1); and 3 more; short protein forms L240F, L367F, L412F, L443F, L486F, L516F, L542F, L544F.
Identifiers: ClinVar variation 4800202 (VCV004800202.1).